The following is an entry in ClinVar:

NM_001276345.2(TNNT2):c.314T>C (p.Met105Thr)

Gene: TNNT2 (troponin T2, cardiac type; minus strand). Cytogenetic location: 1q32.1.
Variant type: single nucleotide variant.
Coding change: c.314T>C on transcript NM_001276345.2 (MANE Select); coding-DNA position 314, T replaced by C.
Protein change: p.Met105Thr; replaces methionine 105 with threonine.
Molecular consequence: missense variant. On other transcripts: intron variant (1).
Genome position (GRCh38, 1-based): chr1:201,365,288, A>G on the plus strand (T>C on the coding strand, the complement: TNNT2 is on the minus strand). VCF-style: chr1-201365288-A-G. GRCh37 (hg19) VCF-style: chr1-201334416-A-G.
Other names: c.314T>C, p.Met105Thr (NM_000364.4, NM_001406723.1); c.284T>C, p.Met95Thr (NM_001001430.3, NM_001001431.3, NM_001276347.2 and 3 more transcripts); c.269T>C, p.Met90Thr (NM_001001432.3, NM_001406728.1); c.281T>C, p.Met94Thr (NM_001406725.1); c.291+322T>C (NM_001276346.2); short protein forms M90T, M94T, M95T, M105T.
Identifiers: ClinVar variation 2939263 (VCV002939263.3), dbSNP rs748914885, ClinGen allele CA088981.

ClinVar aggregate classification (germline): Uncertain significance (1 of 4 stars; one submission).

Conditions:
Dilated cardiomyopathy 1D. Identifiers: Orphanet 154, Orphanet 54260, MedGen C1832243, MONDO:0011095, OMIM 601494.
Hypertrophic cardiomyopathy 2. Also called: TNNT2-Related Familial Hypertrophic Cardiomyopathy. Identifiers: MedGen C1861864, MONDO:0007266, OMIM 115195.
Cardiomyopathy, familial restrictive, 3. Identifiers: Orphanet 75249, MedGen C2676271, MONDO:0012900, OMIM 612422.

Allele frequency attached by ClinVar (database versions not stated): gnomAD exomes below 0.00001; ExAC 0.00001.

Submission:

Labcorp Genetics (formerly Invitae), Labcorp
Classification: Uncertain significance for Cardiomyopathy, familial restrictive, 3; Hypertrophic cardiomyopathy 2; Dilated cardiomyopathy 1D. Last evaluated: 2024-01-10. Review status: criteria provided, single submitter. Criteria: Invitae Variant Classification Sherloc (09022015). Collection method: clinical testing. Allele origin: germline.
Comment: This sequence change replaces methionine, which is neutral and non-polar, with threonine, which is neutral and polar, at codon 95 of the TNNT2 protein (p.Met95Thr). This variant is present in population databases (rs748914885, gnomAD 0.0009%). This variant has not been reported in the literature in individuals affected with TNNT2-related conditions. Advanced modeling of protein sequence and biophysical properties (such as structural, functional, and spatial information, amino acid conservation, physicochemical variation, residue mobility, and thermodynamic stability) performed at Invitae indicates that this missense variant is expected to disrupt TNNT2 protein function with a positive predictive value of 95%. In summary, the available evidence is currently insufficient to determine the role of this variant in disease. Therefore, it has been classified as a Variant of Uncertain Significance.